The following is an entry in ClinVar:

ClinVar aggregate classification (germline): Uncertain significance (1 of 4 stars; one submission).

Submission:

Labcorp Genetics (formerly Invitae), Labcorp
Classification: Uncertain significance. Last evaluated: 2023-05-25. Review status: criteria provided, single submitter. Criteria: Invitae Variant Classification Sherloc (09022015). Collection method: clinical testing. Allele origin: germline.
Comment: In summary, the available evidence is currently insufficient to determine the role of this variant in disease. Therefore, it has been classified as a Variant of Uncertain Significance. An algorithm developed to predict the effect of missense changes on protein structure and function (PolyPhen-2) suggests that this variant is likely to be tolerated. This variant has not been reported in the literature in individuals affected with MICAL1-related conditions. This variant is not present in population databases (gnomAD no frequency). This sequence change replaces serine, which is neutral and polar, with proline, which is neutral and non-polar, at codon 550 of the MICAL1 protein (p.Ser550Pro).

NM_022765.4(MICAL1):c.1591T>C (p.Ser531Pro)

Gene: MICAL1 (microtubule associated monooxygenase, calponin and LIM domain containing 1; minus strand). Cytogenetic location: 6q21.
Variant type: single nucleotide variant.
Coding change: c.1591T>C on transcript NM_022765.4 (MANE Select); coding-DNA position 1591, T replaced by C.
Protein change: p.Ser531Pro; replaces serine 531 with proline.
Molecular consequence: missense variant.
Genome position (GRCh38, 1-based): chr6:109,448,805, A>G on the plus strand (T>C on the coding strand, the complement: MICAL1 is on the minus strand). VCF-style: chr6-109448805-A-G. GRCh37 (hg19) VCF-style: chr6-109770008-A-G.
Other names: c.1333T>C, p.Ser445Pro (NM_001159291.2); c.1648T>C, p.Ser550Pro (NM_001286613.2); short protein forms S531P, S445P, S550P.
Identifiers: ClinVar variation 2852743 (VCV002852743.3), dbSNP rs2482790427, ClinGen allele CA365229247.